The following is an entry in ClinVar:

NM_003924.4(PHOX2B):c.85G>T (p.Ala29Ser)

Genes: PHOX2B (paired like homeobox 2B; minus strand), PHOX2B-AS1 (PHOX2B antisense RNA 1; plus strand). Cytogenetic location: 4p13.
Variant type: single nucleotide variant.
Coding change: c.85G>T on transcript NM_003924.4 (MANE Select); coding-DNA position 85, G replaced by T.
Protein change: p.Ala29Ser; replaces alanine 29 with serine.
Molecular consequence: missense variant.
Genome position (GRCh38, 1-based): chr4:41,748,526, C>A on the plus strand (G>T on the coding strand, the complement: PHOX2B is on the minus strand). VCF-style: chr4-41748526-C-A. GRCh37 (hg19) VCF-style: chr4-41750543-C-A.
Other names: short protein forms A29S.
Identifiers: ClinVar variation 2071901 (VCV002071901.4), dbSNP rs2552097188, ClinGen allele CA356741123.
Genomic context (GRCh38, chr4:41,748,526, plus strand): 5'-TCCTTATCGGGTTATACTGGAAGCCACTGGCCTGGCTGCAGGAACTGAAGTCAGCATAGG[C>A]TGAAGCCAGGCTCGAGGTGTCCATCCCAGCCATACAGGACTCGTAGGCAGAGGAATTGAG-3'
Protein context (NP_003915.2, residues 19-39): AGMDTSSLAS[Ala29Ser]YADFSSCSQA

ClinVar aggregate classification (germline): Uncertain significance (1 of 4 stars; one submission).

Conditions:
Haddad syndrome (OHD). Also called: Ondine-Hirschsprung disease. Identifiers: Orphanet 99803, MedGen C1859049, MONDO:0020493.

Submission:

Labcorp Genetics (formerly Invitae), Labcorp
Classification: Uncertain significance for Haddad syndrome. Last evaluated: 2022-01-03. Review status: criteria provided, single submitter. Criteria: Invitae Variant Classification Sherloc (09022015). Collection method: clinical testing. Allele origin: germline.
Comment: In summary, the available evidence is currently insufficient to determine the role of this variant in disease. Therefore, it has been classified as a Variant of Uncertain Significance. Algorithms developed to predict the effect of missense changes on protein structure and function (SIFT, PolyPhen-2, Align-GVGD) all suggest that this variant is likely to be disruptive. This variant has not been reported in the literature in individuals affected with PHOX2B-related conditions. This variant is not present in population databases (gnomAD no frequency). This sequence change replaces alanine, which is neutral and non-polar, with serine, which is neutral and polar, at codon 29 of the PHOX2B protein (p.Ala29Ser).